The following is an entry in ClinVar:

ClinVar aggregate classification (germline): Pathogenic. Review status: reviewed by expert panel (3 of 4 stars). 15 submissions from 15 submitters: Pathogenic (1). 14 of the submissions do not count toward it. Last evaluated 2016-09-08.

Conditions:
Breast and/or ovarian cancer. Identifiers: MedGen CN221562.
Breast-ovarian cancer, familial, susceptibility to, 1 (BROVCA1). Also called: BRCA1 Hereditary Breast and Ovarian Cancer; OVARIAN CANCER, SUSCEPTIBILITY TO. Identifiers: Orphanet 145, MedGen C2676676, MONDO:0011450, OMIM 604370. Disease mechanism: loss of function.
Hereditary cancer-predisposing syndrome. Also called: Hereditary Cancer Syndrome; Hereditary neoplastic syndrome; Neoplastic Syndromes, Hereditary; Tumor predisposition. Identifiers: Orphanet 140162, MedGen C0027672, MeSH D009386, MONDO:0015356.
Hereditary breast ovarian cancer syndrome. Also called: BRCA1- and BRCA2-Associated Hereditary Breast and Ovarian Cancer; Hereditary breast and ovarian cancer syndrome; Hereditary breast and ovarian cancer syndrome (HBOC); Breast and ovarian cancer; Hereditary breast and/or ovarian cancer syndrome; Hereditary breast and ovarian cancer. Identifiers: Orphanet 145, MedGen C0677776, MeSH D061325, MONDO:0003582. Disease mechanism: loss of function.
Malignant tumor of breast. Also called: Cancer breast; Malignant breast neoplasm. Identifiers: MedGen C0006142, MONDO:0007254. Disease mechanism: loss of function.

Allele frequency attached by ClinVar (database versions not stated): gnomAD exomes below 0.00001.
gnomAD v4.1: 1 of 1,613,756 alleles (0.000062%); highest among the groups gnomAD compares: South Asian, 0.0011%; no homozygotes.

Submissions (15):

Evidence-based Network for the Interpretation of Germline Mutant Alleles (ENIGMA)
Classification: Pathogenic for Breast-ovarian cancer, familial, susceptibility to, 1. Last evaluated: 2016-09-08. Review status: reviewed by expert panel. Criteria: ENIGMA BRCA1/2 Classification Criteria (2015). Collection method: curation. Allele origin: germline.
Comment: Variant allele predicted to encode a truncated non-functional protein.

Quest Diagnostics Nichols Institute San Juan Capistrano
Classification: Pathogenic. Last evaluated: 2025-01-14. Review status: criteria provided, single submitter. Criteria: Quest Diagnostics criteria. Collection method: clinical testing. Allele origin: unknown. Not counted in ClinVar's aggregate classification.
Comment: The BRCA1 c.505C>T (p.Gln169*) variant causes the premature termination of BRCA1 protein synthesis. This variant has been reported in the published literature in individuals and families with breast and/or ovarian cancer (PMID: 33461583 (2021), 7493024 (1995)). In a functional analysis, this variant demonstrated a damaging effect on BRCA1 protein function (PMID: 25823446 (2015)). This variant has not been reported in large, multi-ethnic general populations (Genome Aggregation Database). Based on the available information, this variant is classified as pathogenic.

Molecular Pathology, Peter Maccallum Cancer Centre
Classification: Pathogenic for Breast-ovarian cancer, familial, susceptibility to, 1. Last evaluated: 2024-11-12. Review status: criteria provided, single submitter. Criteria: ACMG Guidelines, 2015. Collection method: clinical testing. Allele origin: germline. Inheritance: Autosomal dominant inheritance. Not counted in ClinVar's aggregate classification.

Ambry Genetics
Classification: Pathogenic for Hereditary cancer-predisposing syndrome. Last evaluated: 2024-03-22. Review status: criteria provided, single submitter. Criteria: Ambry Variant Classification Scheme 2023. Collection method: clinical testing. Allele origin: germline. Not counted in ClinVar's aggregate classification.
Comment: The p.Q169* pathogenic mutation (also known as c.505C>T), located in coding exon 6 of the BRCA1 gene, results from a C to T substitution at nucleotide position 505. This changes the amino acid from a glutamine to a stop codon within coding exon 6. This alteration is expected to result in loss of function by premature protein truncation or nonsense-mediated mRNA decay. As such, this alteration is interpreted as a disease-causing mutation.

GeneDx
Classification: Pathogenic. Last evaluated: 2023-08-10. Review status: criteria provided, single submitter. Criteria: GeneDx Variant Classification Process June 2021. Collection method: clinical testing. Allele origin: germline. Affected: yes. Not counted in ClinVar's aggregate classification.
Comment: Nonsense variant predicted to result in protein truncation or nonsense mediated decay in a gene for which loss of function is a known mechanism of disease; Observed in individuals with a personal or family history consistent with pathogenic variants in this gene (Gayther et al., 1995; Wen et al., 2018; Momozawa et al., 2018); Published functional studies suggest a damaging effect: reduced E3 ubiquitin ligase activity (Starita et al., 2015); Truncating variants in this gene are considered pathogenic by a well-established clinical consortium and/or database; Not observed at significant frequency in large population cohorts (gnomAD); Also known as 624C>T; This variant is associated with the following publications: (PMID: 25525159, 7493024, 25823446, 32295079, 20104584, 29446198, 30287823, 34680387, 32377563, 31209999, 28993434, 16267036)

Baylor Genetics
Classification: Pathogenic for Breast-ovarian cancer, familial, susceptibility to, 1. Last evaluated: 2022-05-19. Review status: criteria provided, single submitter. Criteria: ACMG Guidelines, 2015. Collection method: clinical testing. Allele origin: unknown. Not counted in ClinVar's aggregate classification.

Color Diagnostics, LLC DBA Color Health
Classification: Pathogenic for Hereditary cancer-predisposing syndrome. Last evaluated: 2021-06-28. Review status: criteria provided, single submitter. Criteria: ACMG Guidelines, 2015. Collection method: clinical testing. Allele origin: germline. Not counted in ClinVar's aggregate classification.
Comment: This variant changes 1 nucleotide in exon 7 of the BRCA1 gene, creating a premature translation stop signal. This variant is expected to result in an absent or non-functional protein product. To our knowledge, functional studies have not been reported for this variant. This variant has been reported in individuals affected with breast/ovarian cancer (PMID: 7493024, 23877192). This variant has not been identified in the general population by the Genome Aggregation Database (gnomAD). Loss of BRCA1 function is a known mechanism of disease. Based on the available evidence, this variant is classified as Pathogenic.

Labcorp Genetics (formerly Invitae), Labcorp
Classification: Pathogenic for Hereditary breast ovarian cancer syndrome. Last evaluated: 2021-06-13. Review status: criteria provided, single submitter. Criteria: Invitae Variant Classification Sherloc (09022015). Collection method: clinical testing. Allele origin: germline. Not counted in ClinVar's aggregate classification.
Comment: Loss-of-function variants in BRCA1 are known to be pathogenic. This particular variant has been reported in individuals and families affected with breast and/or ovarian cancer (PMID: 7493024, 16267036). This sequence change creates a premature translational stop signal at codon 169 (p.Gln169*). It is expected to result in an absent or disrupted protein product. For these reasons, this variant has been classified as Pathogenic.

Consortium of Investigators of Modifiers of BRCA1/2 (CIMBA), c/o University of Cambridge
Classification: Pathogenic for Breast-ovarian cancer, familial, susceptibility to, 1. Last evaluated: 2015-10-02. Review status: criteria provided, single submitter. Criteria: CIMBA Mutation Classification guidelines May 2016. Collection method: clinical testing. Allele origin: germline. Not counted in ClinVar's aggregate classification.

BRCAlab, Lund University
Classification: Pathogenic for Breast-ovarian cancer, familial, susceptibility to, 1. Last evaluated: 2020-03-02. Review status: no assertion criteria provided. Collection method: clinical testing. Allele origin: germline. Affected: yes. Not counted in ClinVar's aggregate classification.

CZECANCA consortium
Classification: Pathogenic for Breast and/or ovarian cancer. Last evaluated: 2019-06-11. Review status: no assertion criteria provided. Collection method: clinical testing. Allele origin: germline. Affected: yes. Observed: 1 variant allele. Not counted in ClinVar's aggregate classification.

Foulkes Cancer Genetics LDI, Lady Davis Institute for Medical Research
Classification: Pathogenic for Breast and/or ovarian cancer. Last evaluated: 2015-05-25. Review status: no assertion criteria provided. Collection method: clinical testing. Allele origin: germline. Study: The Canadian Open Genetics Repository (COGR). Not counted in ClinVar's aggregate classification.

Research Molecular Genetics Laboratory, Women's College Hospital, University of Toronto
Classification: Pathogenic for Hereditary breast ovarian cancer syndrome. Last evaluated: 2014-01-31. Review status: no assertion criteria provided. Collection method: research. Allele origin: germline. Affected: yes. Study: The Canadian Open Genetics Repository (COGR). Not counted in ClinVar's aggregate classification.

Breast Cancer Information Core (BIC) (BRCA1)
Classification: Pathogenic for Breast-ovarian cancer, familial 1. Last evaluated: 2004-02-20. Review status: no assertion criteria provided. Collection method: clinical testing. Allele origin: germline. Affected: yes. Observed: 5 variant alleles. Not counted in ClinVar's aggregate classification.

Department of Pathology and Laboratory Medicine, Sinai Health System
Classification: Pathogenic for Malignant tumor of breast. Review status: no assertion criteria provided. Collection method: clinical testing. Allele origin: unknown. Affected: yes. Study: The Canadian Open Genetics Repository (COGR). Not counted in ClinVar's aggregate classification.
Comment: The p.Gln169X has been identified in 1 out of 120 proband chromosomes (frequency 0.008) in an individual with a familial breast and ovarian cancer phenotype, however no controls were included in this study (Gayther 1995). It is listed in dbSNP database coming from a â€šÃ„Ãºclinical sourceâ€šÃ„Ã¹ (ID#: rs80357133) where no frequency information was available. The p.Gln169X variant leads to a premature stop codon at position 169, which is predicted to cause a truncated or absent protein product and loss of function. Loss of BRCA1 function is an established disease mechanism in familial breast and ovarian cancer syndromes. In addition, this variant is listed 5 times in BIC database as a clinically important mutation. In summary, based on the information above, this variant is classified as pathogenic.

Literature cited by the submitters: PubMed 7493024 (cited by Quest Diagnostics Nichols Institute San Juan Capistrano and Labcorp Genetics (formerly Invitae), Labcorp); PubMed 25823446 (cited by Quest Diagnostics Nichols Institute San Juan Capistrano); PubMed 33461583 (cited by Quest Diagnostics Nichols Institute San Juan Capistrano); PubMed 16267036 (cited by Labcorp Genetics (formerly Invitae), Labcorp); PubMed 32295079 (cited by CZECANCA consortium).

NM_007294.4(BRCA1):c.505C>T (p.Gln169Ter)

Gene: BRCA1 (BRCA1 DNA repair associated; minus strand). Cytogenetic location: 17q21.31.
Variant type: single nucleotide variant.
Coding change: c.505C>T on transcript NM_007294.4 (MANE Select); coding-DNA position 505, C replaced by T.
Protein change: p.Gln169Ter; replaces glutamine 169 with a stop codon.
Molecular consequence: nonsense. On other transcripts: non-coding transcript variant (1).
Genome position (GRCh38, 1-based): chr17:43,099,817, G>A on the plus strand (C>T on the coding strand, the complement: BRCA1 is on the minus strand). VCF-style: chr17-43099817-G-A. GRCh37 (hg19) VCF-style: chr17-41251834-G-A.
Other names: c.292C>T, p.Gln98Ter (NM_001407571.1, NM_001407853.1, NM_001407894.1 and 18 more transcripts); c.505C>T, p.Gln169Ter (NM_001407581.1, NM_001407582.1, NM_001407583.1 and 97 more transcripts); c.502C>T, p.Gln168Ter (NM_001407587.1, NM_001407590.1, NM_001407591.1 and 65 more transcripts); c.496C>T, p.Gln166Ter (NM_001407646.1, NM_001407647.1, NM_001408408.1); c.427C>T, p.Gln143Ter (NM_001407653.1, NM_001407654.1, NM_001407655.1 and 12 more transcripts); c.424C>T, p.Gln142Ter (NM_001407659.1, NM_001407660.1, NM_001407661.1 and 6 more transcripts); c.364C>T, p.Gln122Ter (NM_001407692.1, NM_001407694.1, NM_001407695.1 and 61 more transcripts); c.361C>T, p.Gln121Ter (NM_001407740.1, NM_001407741.1, NM_001407742.1 and 35 more transcripts); and 4 more; short protein forms Q169*, Q122*, Q121*, Q143*, Q41*, Q42*, Q99*, Q124*.
Identifiers: ClinVar variation 55367 (VCV000055367.25), dbSNP rs80357133, ClinGen allele CA003179.